The following is an entry in ClinVar:

ClinVar aggregate classification (germline): Uncertain significance. Review status: criteria provided, multiple submitters, no conflicts (2 of 4 stars). 2 submissions from 2 submitters: Uncertain significance (2). Last evaluated 2025-08-22.

Conditions:
Hereditary cancer-predisposing syndrome. Also called: Tumor predisposition; Neoplastic Syndromes, Hereditary; Hereditary Cancer Syndrome; Hereditary neoplastic syndrome. Identifiers: Orphanet 140162, MedGen C0027672, MeSH D009386, MONDO:0015356.
Ataxia-telangiectasia syndrome (AT). Also called: LOUIS-BAR SYNDROME; Cerebello-oculocutaneous telangiectasia; Immunodeficiency with ataxia telangiectasia; Ataxia-telangiectasia, complementation group D; AT, COMPLEMENTATION GROUP C; ATAXIA-TELANGIECTASIA, COMPLEMENTATION GROUP A. Identifiers: Orphanet 100, MedGen C0004135, MONDO:0008840, OMIM 208900.

Submissions (2):

Ambry Genetics
Classification: Uncertain significance for Hereditary cancer-predisposing syndrome. Last evaluated: 2025-08-22. Review status: criteria provided, single submitter. Criteria: Ambry Variant Classification Scheme 2023. Collection method: clinical testing. Allele origin: germline.
Comment: The p.R329I variant (also known as c.986G>T), located in coding exon 7 of the ATM gene, results from a G to T substitution at nucleotide position 986. The arginine at codon 329 is replaced by isoleucine, an amino acid with similar properties. This amino acid position is highly conserved in available vertebrate species. In addition, this alteration is predicted to be deleterious by in silico analysis. Since supporting evidence is limited at this time, the clinical significance of this alteration remains unclear.

Labcorp Genetics (formerly Invitae), Labcorp
Classification: Uncertain significance for Ataxia-telangiectasia syndrome. Last evaluated: 2023-09-12. Review status: criteria provided, single submitter. Criteria: Invitae Variant Classification Sherloc (09022015). Collection method: clinical testing. Allele origin: germline.
Comment: This sequence change replaces arginine, which is basic and polar, with isoleucine, which is neutral and non-polar, at codon 329 of the ATM protein (p.Arg329Ile). ClinVar contains an entry for this variant (Variation ID: 1768453). An algorithm developed to predict the effect of missense changes on protein structure and function (PolyPhen-2) suggests that this variant is likely to be disruptive. This variant has not been reported in the literature in individuals affected with ATM-related conditions. This variant is not present in population databases (gnomAD no frequency). In summary, the available evidence is currently insufficient to determine the role of this variant in disease. Therefore, it has been classified as a Variant of Uncertain Significance.

NM_000051.4(ATM):c.986G>T (p.Arg329Ile)

Gene: ATM (ATM serine/threonine kinase; plus strand). Cytogenetic location: 11q22.3.
Variant type: single nucleotide variant.
Coding change: c.986G>T on transcript NM_000051.4 (MANE Select); coding-DNA position 986, G replaced by T.
Protein change: p.Arg329Ile; replaces arginine 329 with isoleucine.
Molecular consequence: missense variant.
Genome position (GRCh38, 1-based): chr11:108,247,048, G>T. VCF-style: chr11-108247048-G-T. GRCh37 (hg19) VCF-style: chr11-108117775-G-T.
Other names: c.986G>T, p.Arg329Ile (NM_001351834.2); short protein forms R329I.
Identifiers: ClinVar variation 1768453 (VCV001768453.6), dbSNP rs776938735, ClinGen allele CA382531220.